The following is an entry in ClinVar:

ClinVar aggregate classification (germline): Likely pathogenic (1 of 4 stars; one submission).

Conditions:
Hypogonadotropic hypogonadism 1 with or without anosmia (HH1). Also called: Hypogonadotropic hypogonadism 1 with or without anosmia (Kallmann syndrome 1); HYPOGONADOTROPIC HYPOGONADISM AND ANOSMIA; KAL1-Related GnRH Deficiency (Kallmann Syndrome 1; Kallmann Syndrome, X-Linked); Kallmann syndrome, type 1, X-linked; DYSPLASIA OLFACTOGENITALIS OF DE MORSIER; HYPOGONADOTROPIC HYPOGONADISM 1 WITH ANOSMIA. Identifiers: Orphanet 478, MedGen C1563719, MONDO:0010635, OMIM 308700. Disease mechanism: loss of function.

Submission:

Department of Endocrinology, The Third Affiliated Hospital of Chongqing Medical University
Classification: Likely pathogenic for Hypogonadotropic hypogonadism 1 with or without anosmia. Review status: criteria provided, single submitter. Criteria: ACMG Guidelines, 2015. Collection method: clinical testing. Allele origin: de novo. Affected: yes.
Comment: Based on the combined evidence (PM2_Supporting + PM6 + PP3_Moderate + PP4), the ANOS1 c.505G>C;p.(Gly169Arg) variant (transcript NM_000216.4, GRCh38/hg38) is classified as likely pathogenic.

Literature cited by the submitters: PubMed 1303284.

NM_000216.4(ANOS1):c.505G>C (p.Gly169Arg)

Gene: ANOS1 (anosmin 1; minus strand). Cytogenetic location: Xp22.31.
Variant type: single nucleotide variant.
Coding change: c.505G>C on transcript NM_000216.4 (MANE Select); coding-DNA position 505, G replaced by C.
Protein change: p.Gly169Arg; replaces glycine 169 with arginine.
Molecular consequence: missense variant.
Genome position (GRCh38, 1-based): chrX:8,597,070, C>G on the plus strand (G>C on the coding strand, the complement: ANOS1 is on the minus strand). VCF-style: chrX-8597070-C-G. GRCh37 (hg19) VCF-style: chrX-8565111-C-G.
Other names: c.505G>C, p.Gly169Arg (NM_001440775.1); short protein forms G169R.
Identifiers: ClinVar variation 4875519 (VCV004875519.1).